The following is an entry in ClinVar:

NM_006261.5(PROP1):c.63del (p.Leu22fs)

Gene: PROP1 (PROP paired-like homeobox 1; minus strand). Cytogenetic location: 5q35.3.
Variant type: Deletion.
Coding change: c.63del on transcript NM_006261.5 (MANE Select); coding-DNA position 63, one base deleted (G; older notation c.63delG).
Protein change: p.Leu22fs; shifts the reading frame from leucine 22.
Molecular consequence: frameshift variant.
Genome position (GRCh38, 1-based): chr5:177,995,871, C deleted on the plus strand (G on the coding strand, the reverse complement: PROP1 is on the minus strand). VCF-style (leftmost placement, unchanged base first): chr5-177995870-AC-A. GRCh37 (hg19) VCF-style: chr5-177422871-AC-A.
Other names: short protein forms L22fs.
Identifiers: ClinVar variation 1070901 (VCV001070901.10), dbSNP rs780134343, ClinGen allele CA3587650.
Genomic context (GRCh38, chr5:177,995,870, plus strand): 5'-GGGACGGTCACTCACCCACCGTGGTGGTCGGGGTCCCAGTGGCCGGGTGTCTCTCAGGCA[AC>A]AGGTTGCTGCCGACTCGCCCCTTCTTTGGCTTCTCAGCCTGGCGCCTCCTTTCTGCTTCC-3'

ClinVar aggregate classification (germline): Pathogenic. Review status: criteria provided, multiple submitters, no conflicts (2 of 4 stars). 2 submissions from 2 submitters: Pathogenic (2). Last evaluated 2023-12-15.

Conditions:
Pituitary hormone deficiency, combined, 2. Also called: PITUITARY DWARFISM III; ATELIOTIC DWARFISM WITH HYPOGONADISM; HANHART DWARFISM; PROP1-Related Combined Pituitary Hormone Deficiency. Identifiers: MedGen C0878683, MONDO:0009878, OMIM 262600.

Allele frequency attached by ClinVar (database versions not stated): gnomAD exomes below 0.00001; ExAC 0.00001; gnomAD 0.00001; TOPMed 0.00001.

Submissions (2):

Labcorp Genetics (formerly Invitae), Labcorp
Classification: Pathogenic. Last evaluated: 2023-12-15. Review status: criteria provided, single submitter. Criteria: Invitae Variant Classification Sherloc (09022015). Collection method: clinical testing. Allele origin: germline.
Comment: This sequence change creates a premature translational stop signal (p.Leu22Cysfs*143) in the PROP1 gene. While this is not anticipated to result in nonsense mediated decay, it is expected to disrupt the last 205 amino acid(s) of the PROP1 protein. This variant is present in population databases (rs780134343, gnomAD 0.007%). This premature translational stop signal has been observed in individual(s) with clinical features of PROP1-related conditions (PMID: 33270637). ClinVar contains an entry for this variant (Variation ID: 1070901). This variant disrupts a region of the PROP1 protein in which other variant(s) (p.Trp194*) have been determined to be pathogenic (Invitae). This suggests that this is a clinically significant region of the protein, and that variants that disrupt it are likely to be disease-causing. For these reasons, this variant has been classified as Pathogenic.

Baylor Genetics
Classification: Pathogenic for Pituitary hormone deficiency, combined, 2. Last evaluated: 2023-06-16. Review status: criteria provided, single submitter. Criteria: ACMG Guidelines, 2015. Collection method: clinical testing. Allele origin: unknown.

Literature cited by the submitters: PubMed 33270637 (cited by Labcorp Genetics (formerly Invitae), Labcorp).